The following is an entry in ClinVar:

ClinVar aggregate classification (germline): Uncertain significance (1 of 4 stars; one submission).

Submission:

Labcorp Genetics (formerly Invitae), Labcorp
Classification: Uncertain significance. Last evaluated: 2024-02-03. Review status: criteria provided, single submitter. Criteria: Invitae Variant Classification Sherloc (09022015). Collection method: clinical testing. Allele origin: germline.
Comment: This sequence change affects codon 861 of the MAGEL2 mRNA. It is a 'silent' change, meaning that it does not change the encoded amino acid sequence of the MAGEL2 protein. This variant is not present in population databases (gnomAD no frequency). This variant has not been reported in the literature in individuals affected with MAGEL2-related conditions. In summary, the available evidence is currently insufficient to determine the role of this variant in disease. Therefore, it has been classified as a Variant of Uncertain Significance.

NM_019066.5(MAGEL2):c.2583C>G (p.Ala861=)

Gene: MAGEL2 (MAGE family member L2; minus strand). Cytogenetic location: 15q11.2.
Variant type: single nucleotide variant.
Coding change: c.2583C>G on transcript NM_019066.5 (MANE Select); coding-DNA position 2583, C replaced by G.
Protein change: p.Ala861=; no amino-acid change (alanine 861 retained).
Molecular consequence: synonymous variant.
Genome position (GRCh38, 1-based): chr15:23,645,160, G>C on the plus strand (C>G on the coding strand, the complement: MAGEL2 is on the minus strand). VCF-style: chr15-23645160-G-C. GRCh37 (hg19) VCF-style: chr15-23890307-G-C.
Identifiers: ClinVar variation 3616527 (VCV003616527.2).